The following is an entry in ClinVar:

NM_014423.3(AFF4):c.1051_1053del

Gene: AFF4 (ALF transcription elongation factor 4; minus strand). Cytogenetic location: 5q31.1.
Variant type: Deletion.
Coding change: c.1051_1053del on transcript NM_014423.3; coding-DNA positions 1051 to 1053, 3 bases deleted (GAG; older notation c.1051_1053delGAG).
Genome position (GRCh38, 1-based): chr5:132,904,402-132,904,404, CTC deleted on the plus strand (GAG on the coding strand, the reverse complement: AFF4 is on the minus strand); deleting any 3 consecutive bases within chr5:132,904,402-132,904,406 gives the same sequence; the c. name uses the placement nearest the transcript's 3' end. VCF-style (leftmost placement, unchanged base first): chr5-132904401-ACTC-A. GRCh37 (hg19) VCF-style: chr5-132240093-ACTC-A.
Identifiers: ClinVar variation 4685367 (VCV004685367.1).
Genomic context (GRCh38, chr5:132,904,401, plus strand): 5'-AAAACAAAGAGGGAAAGAAATACTCACTTTGTTCTCCAGTGCCAAAATTGGACTGCTGAG[ACTC>A]CTAAGAAAAAGGAACATAAAATTATACAAAGTTACACTAAAAAAGAAAGATTAGTGAAAA-3'

ClinVar aggregate classification (germline): Uncertain significance (1 of 4 stars; one submission).

Submission:

GeneDx
Classification: Uncertain significance. Last evaluated: 2025-07-07. Review status: criteria provided, single submitter. Criteria: GeneDx Variant Classification Process June 2021. Collection method: clinical testing. Allele origin: germline. Affected: yes.
Comment: Has not been previously published as pathogenic or benign to our knowledge; Not observed at significant frequency in large population cohorts (gnomAD); In silico analysis is inconclusive as to whether the variant alters gene splicing. In the absence of RNA/functional studies, the actual effect of this sequence change is unknown.; In silico analysis supports a deleterious effect on protein structure/function; In-frame deletion of 1 amino acid in a non-repeat region